The following is an entry in ClinVar:

NM_006516.4(SLC2A1):c.1424G>A (p.Ser475Asn)

Gene: SLC2A1 (solute carrier family 2 member 1; minus strand). Cytogenetic location: 1p34.2.
Variant type: single nucleotide variant.
Coding change: c.1424G>A on transcript NM_006516.4 (MANE Select); coding-DNA position 1424, G replaced by A.
Protein change: p.Ser475Asn; replaces serine 475 with asparagine.
Molecular consequence: missense variant.
Genome position (GRCh38, 1-based): chr1:42,927,096, C>T on the plus strand (G>A on the coding strand, the complement: SLC2A1 is on the minus strand). VCF-style: chr1-42927096-C-T. GRCh37 (hg19) VCF-style: chr1-43392767-C-T.
Other names: short protein forms S475N.
Identifiers: ClinVar variation 840410 (VCV000840410.10), dbSNP rs770901544, ClinGen allele CA803279.

ClinVar aggregate classification (germline): Uncertain significance (1 of 4 stars; one submission).

Conditions:
GLUT1 deficiency syndrome 1, autosomal recessive. Identifiers: MedGen C3149117.

Allele frequency attached by ClinVar (database versions not stated): gnomAD exomes below 0.00001; ExAC 0.00001.

Submission:

Labcorp Genetics (formerly Invitae), Labcorp
Classification: Uncertain significance for GLUT1 deficiency syndrome 1, autosomal recessive. Last evaluated: 2019-04-19. Review status: criteria provided, single submitter. Criteria: Invitae Variant Classification Sherloc (09022015). Collection method: clinical testing. Allele origin: germline.
Comment: This sequence change replaces serine with asparagine at codon 475 of the SLC2A1 protein (p.Ser475Asn). The serine residue is moderately conserved and there is a small physicochemical difference between serine and asparagine. This variant is present in population databases (rs770901544, ExAC 0.01%). This variant has not been reported in the literature in individuals with SLC2A1-related conditions. Algorithms developed to predict the effect of missense changes on protein structure and function (SIFT, PolyPhen-2, Align-GVGD) all suggest that this variant is likely to be tolerated, but these predictions have not been confirmed by published functional studies and their clinical significance is uncertain. In summary, the available evidence is currently insufficient to determine the role of this variant in disease. Therefore, it has been classified as a Variant of Uncertain Significance.